The following is an entry in ClinVar:

ClinVar aggregate classification (germline): Benign. Review status: criteria provided, multiple submitters, no conflicts (2 of 4 stars). 2 submissions from 2 submitters: Benign (2). Last evaluated 2020-04-30.

Allele frequency attached by ClinVar (database versions not stated): gnomAD exomes 0.00797 and 0.01831; ExAC 0.02425; gnomAD 0.05242 and 0.05516; TOPMed 0.05926; ESP Exome Variant Server 0.06059; 1000 Genomes Project 0.06649; 1000 Genomes Project 30x 0.06996.
gnomAD v4.1: 20,067 of 1,608,500 alleles (1.2%); highest among the groups gnomAD compares: African/African-American, 17%; 1,181 homozygotes.

Submissions (2):

GeneDx
Classification: Benign. Last evaluated: 2020-04-30. Review status: criteria provided, single submitter. Criteria: GeneDx Variant Classification Process June 2021. Collection method: clinical testing. Allele origin: germline. Affected: yes.
Comment: This variant is associated with the following publications: (PMID: 23645777)

Breakthrough Genomics
Classification: Benign. Review status: criteria provided, single submitter. Criteria: ACMG Guidelines, 2015. Collection method: not provided. Allele origin: germline. Inheritance: Unknown mechanism. Affected: yes.

NM_017523.5(XAF1):c.254A>G (p.Glu85Gly)

Gene: XAF1 (XIAP associated factor 1; plus strand). Cytogenetic location: 17p13.1.
Variant type: single nucleotide variant.
Coding change: c.254A>G on transcript NM_017523.5 (MANE Select); coding-DNA position 254, A replaced by G.
Protein change: p.Glu85Gly; replaces glutamic acid 85 with glycine.
Molecular consequence: missense variant. On other transcripts: 5 prime UTR variant (3).
Genome position (GRCh38, 1-based): chr17:6,760,434, A>G. VCF-style: chr17-6760434-A-G. GRCh37 (hg19) VCF-style: chr17-6663753-A-G.
Other names: c.-290A>G (NM_001353134.2); c.254A>G, p.Glu85Gly (NM_001353135.1); c.74A>G, p.Glu25Gly (NM_001353136.2); c.-190A>G (NM_001353137.2, NM_001353138.2); c.187A>G, p.Ser63Gly (NM_001353139.2); c.130A>G, p.Ser44Gly (NM_001353140.2); c.197A>G, p.Glu66Gly (NM_199139.4); short protein forms E25G, E66G, E85G, S44G, S63G.
Identifiers: ClinVar variation 1243178 (VCV001243178.3), dbSNP rs34195599, ClinGen allele CA8332090.